The following is an entry in ClinVar:

ClinVar aggregate classification (germline): Likely benign. Review status: criteria provided, multiple submitters, no conflicts (2 of 4 stars). 2 submissions from 2 submitters: Likely benign (2). Last evaluated 2025-06-24.

Conditions:
Juvenile polyposis syndrome (JPS). Identifiers: Orphanet 2929, MedGen C0345893, MONDO:0017380, OMIM 174900.

Submissions (2):

Labcorp Genetics (formerly Invitae), Labcorp
Classification: Likely benign for Juvenile polyposis syndrome. Last evaluated: 2025-06-24. Review status: criteria provided, single submitter. Criteria: Invitae Variant Classification Sherloc (09022015). Collection method: clinical testing. Allele origin: germline.

Myriad Genetics, Inc.
Classification: Likely benign for Juvenile polyposis syndrome. Last evaluated: 2024-07-31. Review status: criteria provided, single submitter. Criteria: Myriad Autosomal Dominant, Autosomal Recessive and X-Linked Classification Criteria (2023). Collection method: clinical testing. Allele origin: unknown.
Comment: This variant is considered likely benign. This variant is intronic and is not expected to impact mRNA splicing.

NM_004329.3(BMPR1A):c.68-20A>C

Gene: BMPR1A (bone morphogenetic protein receptor type 1A; plus strand). Cytogenetic location: 10q23.2.
Variant type: single nucleotide variant.
Coding change: c.68-20A>C on transcript NM_004329.3 (MANE Select); 20 bases into the intron before coding-DNA position 68, A replaced by C.
Molecular consequence: intron variant.
Genome position (GRCh38, 1-based): chr10:86,890,042, A>C. VCF-style: chr10-86890042-A-C. GRCh37 (hg19) VCF-style: chr10-88649799-A-C.
Identifiers: ClinVar variation 1672497 (VCV001672497.9), dbSNP rs750599523, ClinGen allele CA2573145677.